The following is an entry in ClinVar:

ClinVar aggregate classification (germline): Uncertain significance. Review status: criteria provided, multiple submitters, no conflicts (2 of 4 stars). 2 submissions from 2 submitters: Uncertain significance (2). Last evaluated 2025-10-25.

Conditions:
Fanconi anemia (FA). Also called: Fanconi's anemia. Identifiers: Orphanet 84, MedGen C0015625, MeSH D005199, MONDO:0019391.
Inborn genetic diseases. Identifiers: MedGen C0950123, MeSH D030342.

Allele frequency attached by ClinVar (database versions not stated): gnomAD 0.00001; gnomAD exomes below 0.00001.
gnomAD v4.1: 6 of 1,613,856 alleles (0.00037%); highest among the groups gnomAD compares: Non-Finnish European, 0.00042%; no homozygotes.

Submissions (2):

Ambry Genetics
Classification: Uncertain significance for Inborn genetic diseases. Last evaluated: 2025-10-25. Review status: criteria provided, single submitter. Criteria: Ambry Variant Classification Scheme 2023. Collection method: clinical testing. Allele origin: germline.
Comment: The p.Q1022R variant (also known as c.3065A>G), located in coding exon 31 of the FANCA gene, results from an A to G substitution at nucleotide position 3065. The glutamine at codon 1022 is replaced by arginine, an amino acid with highly similar properties. This amino acid position is conserved. In addition, the in silico prediction for this alteration is inconclusive. Based on the available evidence, the clinical significance of this variant remains unclear.

Labcorp Genetics (formerly Invitae), Labcorp
Classification: Uncertain significance for Fanconi anemia. Last evaluated: 2021-09-01. Review status: criteria provided, single submitter. Criteria: Invitae Variant Classification Sherloc (09022015). Collection method: clinical testing. Allele origin: germline.
Comment: This sequence change replaces glutamine with arginine at codon 1022 of the FANCA protein (p.Gln1022Arg). The glutamine residue is highly conserved and there is a small physicochemical difference between glutamine and arginine. This variant is not present in population databases (ExAC no frequency). This variant has not been reported in the literature in individuals affected with FANCA-related conditions. Algorithms developed to predict the effect of missense changes on protein structure and function are either unavailable or do not agree on the potential impact of this missense change (SIFT: "Deleterious"; PolyPhen-2: "Benign"; Align-GVGD: "Class C35"). In summary, the available evidence is currently insufficient to determine the role of this variant in disease. Therefore, it has been classified as a Variant of Uncertain Significance.

NM_000135.4(FANCA):c.3065A>G (p.Gln1022Arg)

Gene: FANCA (FA complementation group A; minus strand). Cytogenetic location: 16q24.3.
Variant type: single nucleotide variant.
Coding change: c.3065A>G on transcript NM_000135.4 (MANE Select); coding-DNA position 3065, A replaced by G.
Protein change: p.Gln1022Arg; replaces glutamine 1022 with arginine.
Molecular consequence: missense variant.
Genome position (GRCh38, 1-based): chr16:89,752,139, T>C on the plus strand (A>G on the coding strand, the complement: FANCA is on the minus strand). VCF-style: chr16-89752139-T-C. GRCh37 (hg19) VCF-style: chr16-89818547-T-C.
Other names: c.3065A>G, p.Gln1022Arg (NM_001286167.3); c.3065A>G (NM_000135.2); short protein forms Q1022R.
Identifiers: ClinVar variation 1370936 (VCV001370936.7), dbSNP rs933911279, ClinGen allele CA286542964.
Genomic context (GRCh38, chr16:89,752,139, plus strand): 5'-TTAATAGCACGCGGCTTAAATGAAGTGAATGCACTGAGTTGTGGCACCCTCAAACTCACC[T>C]GCAATCTGGAAATAATATCCTCATTTCCTGTGCGGCCACCAAAGACCAAATCAGAATTTT-3'
Protein context (NP_000126.2, residues 1012-1032): TGNEDIISRL[Gln1022Arg]EMVADLELQQ